The following is an entry in ClinVar:

NM_004415.4(DSP):c.4355G>T (p.Arg1452Ile)

Gene: DSP (desmoplakin; plus strand). Cytogenetic location: 6p24.3.
Variant type: single nucleotide variant.
Coding change: c.4355G>T on transcript NM_004415.4 (MANE Select); coding-DNA position 4355, G replaced by T.
Protein change: p.Arg1452Ile; replaces arginine 1452 with isoleucine.
Molecular consequence: missense variant. On other transcripts: intron variant (2).
Genome position (GRCh38, 1-based): chr6:7,580,545, G>T. VCF-style: chr6-7580545-G-T. GRCh37 (hg19) VCF-style: chr6-7580778-G-T.
Other names: c.4050+305G>T (NM_001319034.2); c.3582+773G>T (NM_001008844.3); short protein forms R1452I.
Identifiers: ClinVar variation 2775309 (VCV002775309.3), dbSNP rs2533928353, ClinGen allele CA362686126.
Genomic context (GRCh38, chr6:7,580,545, plus strand): 5'-AGCAAAAGGCCACTGGCTCTGAGGTGTCTCAGAGGAAACAGCAGCTGGAGGTTGAGCTGA[G>T]ACAAGTCACTCAGATGCGAACAGAGGAGAGCGTAAGATATAAGCAATCTCTTGATGATGC-3'
Protein context (NP_004406.2, residues 1442-1462): QRKQQLEVEL[Arg1452Ile]QVTQMRTEES

ClinVar aggregate classification (germline): Uncertain significance. Review status: criteria provided, multiple submitters, no conflicts (2 of 4 stars). 2 submissions from 2 submitters: Uncertain significance (2). Last evaluated 2023-06-08.

Conditions:
Cardiomyopathy (CMYO). Also called: Cardiomyopathies. Identifiers: Orphanet 167848, MedGen C0878544, MONDO:0004994, HP:0001638. Inheritance: Various modes of inheritance.
Arrhythmogenic cardiomyopathy with wooly hair and keratoderma. Also called: PALMOPLANTAR KERATODERMA WITH LEFT VENTRICULAR CARDIOMYOPATHY AND WOOLLY HAIR; Dilated cardiomyopathy with woolly hair and keratoderma; Arrhythmogenic cardiomyopathy with woolly hair and keratoderma; Carvajal syndrome. Identifiers: Orphanet 65282, MedGen C1854063, MONDO:0011581, OMIM 605676.

Submissions (2):

All of Us Research Program, National Institutes of Health
Classification: Uncertain significance for Arrhythmogenic cardiomyopathy with wooly hair and keratoderma. Last evaluated: 2023-06-08. Review status: criteria provided, single submitter. Criteria: ACMG Guidelines, 2015. Collection method: clinical testing. Allele origin: germline. Inheritance: Autosomal dominant inheritance. Observed: 1 variant allele, 1 heterozygote.
Comment: This missense variant replaces arginine with isoleucine at codon 1452 of the DSP protein. Computational prediction suggests that this variant may not impact protein structure and function (internally defined REVEL score threshold <= 0.5, PMID: 27666373). To our knowledge, functional studies have not been reported for this variant. This variant has not been reported in individuals affected with DSP-related disorders in the literature. This variant has not been identified in the general population by the Genome Aggregation Database (gnomAD). The available evidence is insufficient to determine the role of this variant in disease conclusively. Therefore, this variant is classified as a Variant of Uncertain Significance.

This study involves interpretation of variants in research participants for the purpose of population health screening. Participant phenotype was not available at the time of variant classification. Additional details can be found in publication PMID: 35346344, PMCID: PMC8962531

Color Diagnostics, LLC DBA Color Health
Classification: Uncertain significance for Cardiomyopathy. Last evaluated: 2023-04-15. Review status: criteria provided, single submitter. Criteria: ACMG Guidelines, 2015. Collection method: clinical testing. Allele origin: germline.
Comment: This missense variant replaces arginine with isoleucine at codon 1452 of the DSP protein. Computational prediction suggests that this variant may not impact protein structure and function (internally defined REVEL score threshold <= 0.5, PMID: 27666373). To our knowledge, functional studies have not been reported for this variant. This variant has not been reported in individuals affected with DSP-related disorders in the literature. This variant has not been identified in the general population by the Genome Aggregation Database (gnomAD). The available evidence is insufficient to determine the role of this variant in disease conclusively. Therefore, this variant is classified as a Variant of Uncertain Significance.